The following is an entry in ClinVar:

NC_000001.10:g.(?_154557262)_(154557840_?)dup

Gene: ADAR (adenosine deaminase RNA specific; minus strand). Cytogenetic location: 1q21.3.
Variant type: Duplication.
Identifiers: ClinVar variation 2423722 (VCV002423722.3).

ClinVar aggregate classification (germline): Uncertain significance (1 of 4 stars; one submission).

Conditions:
Symmetrical dyschromatosis of extremities (DSH). Also called: Dyschromatosis symmetrica hereditaria; SYMMETRIC DYSCHROMATOSIS OF THE EXTREMITIES; RETICULATE ACROPIGMENTATION OF DOHI; DYSCHROMATOSIS SYMMETRICA HEREDITARIA 1. Identifiers: Orphanet 41, MedGen C0406775, MONDO:0007483, OMIM 127400.
Aicardi-Goutieres syndrome 6 (AGS6). Identifiers: Orphanet 51, MedGen C3539013, MONDO:0014007, OMIM 615010.

Submission:

Labcorp Genetics (formerly Invitae), Labcorp
Classification: Uncertain significance for Aicardi-Goutieres syndrome 6; Symmetrical dyschromatosis of extremities. Last evaluated: 2020-02-20. Review status: criteria provided, single submitter. Criteria: Invitae Variant Classification Sherloc (09022015). Collection method: clinical testing. Allele origin: germline.
Comment: This variant results in a copy number gain of the genomic region encompassing exons 14-15 of the ADAR gene. The 5' boundary is likely confined to intron 13. The 3' end of this event is unknown as it extends beyond the assayed region for this gene and therefore may encompass additional genes. As the precise location of this event is unknown, it may be in tandem or it may be located elsewhere in the genome. This variant has not been reported in the literature in individuals with ADAR-related conditions. Experimental studies and prediction algorithms are not available or were not evaluated, and the functional significance of this variant is currently unknown. In summary, the available evidence is currently insufficient to determine the role of this variant in disease. Therefore, it has been classified as a Variant of Uncertain Significance.